The following is an entry in ClinVar:

ClinVar aggregate classification (germline): Pathogenic (1 of 4 stars; one submission).

Conditions:
Tuberous sclerosis 2 (TSC2). Identifiers: Orphanet 805, MedGen C1860707, MONDO:0013199, OMIM 613254.

Submission:

Juno Genomics, Hangzhou Juno Genomics, Inc
Classification: Pathogenic for Tuberous sclerosis 2. Review status: criteria provided, single submitter. Criteria: ACMG Guidelines, 2015. Collection method: clinical testing. Allele origin: germline.
Comment: Absent from controls (or at extremely low frequency if recessive) in Genome Aggregation Database.;Null variant in a gene where loss of function (LOF) is a known mechanism of disease.;Patient's phenotype or family history is highly specific for a disease with a single genetic etiology.

NM_000548.5(TSC2):c.3948del (p.Leu1317fs)

Gene: TSC2 (TSC complex subunit 2; plus strand). Cytogenetic location: 16p13.3.
Variant type: Deletion.
Coding change: c.3948del on transcript NM_000548.5 (MANE Select); coding-DNA position 3948, one base deleted (G; older notation c.3948delG).
Protein change: p.Leu1317fs; shifts the reading frame from leucine 1317.
Molecular consequence: frameshift variant. On other transcripts: non-coding transcript variant (5).
Genome position (GRCh38, 1-based): chr16:2,083,759, G deleted; the last of 3 consecutive G bases (chr16:2,083,757-2,083,759); deleting any one gives the same sequence. VCF-style (leftmost placement, unchanged base first): chr16-2083756-AG-A. GRCh37 (hg19) VCF-style: chr16-2133757-AG-A.
Other names: c.2406del, p.Leu803fs (NM_001406694.1, NM_001406692.1, NM_001406693.1); c.2403del, p.Leu802fs (NM_001406695.1, NM_001406696.1, NM_001406697.1); c.2145del, p.Leu716fs (NM_001406698.1); c.3819del, p.Leu1274fs (NM_021055.3, NM_001370405.1); c.3747del, p.Leu1250fs (NM_001077183.3); c.3879del, p.Leu1294fs (NM_001114382.3); c.3639del, p.Leu1214fs (NM_001318827.2); c.3603del, p.Leu1202fs (NM_001318829.2); and 26 more; short protein forms L1050fs, L1051fs, L1073fs, L1093fs, L1094fs, L1097fs, L1117fs, L1201fs.
Identifiers: ClinVar variation 5019881 (VCV005019881.2).